The following is an entry in ClinVar:

ClinVar aggregate classification (germline): Benign. Review status: criteria provided, multiple submitters, no conflicts (2 of 4 stars). 3 submissions from 3 submitters: Benign (3). Last evaluated 2023-11-12.

Allele frequency attached by ClinVar (database versions not stated): 1000 Genomes Project 30x 0.50609; TOPMed 0.50915; 1000 Genomes Project 0.51138; gnomAD 0.52197 and 0.53053; gnomAD exomes 0.63373 and 0.63788; ExAC 0.64068.

Submissions (3):

Unidad de Genómica Garrahan, Hospital de Pediatría Garrahan
Classification: Benign. Last evaluated: 2023-11-12. Review status: criteria provided, single submitter. Criteria: ACMG Guidelines, 2015. Collection method: clinical testing. Allele origin: germline. Affected: no. Observed: 83 variant alleles.
Comment: This variant is classified as Benign based on local population frequency. This variant was detected in 86% of patients studied by a panel of primary immunodeficiencies. Number of patients: 83. Only high quality variants are reported.

GeneDx
Classification: Benign. Last evaluated: 2021-05-14. Review status: criteria provided, single submitter. Criteria: GeneDx Variant Classification Process June 2021. Collection method: clinical testing. Allele origin: germline. Affected: yes.

Breakthrough Genomics
Classification: Benign. Review status: criteria provided, single submitter. Criteria: ACMG Guidelines, 2015. Collection method: not provided. Allele origin: germline. Inheritance: Autosomal recessive inheritance. Affected: yes.

NM_006254.4(PRKCD):c.571+127A>C

Gene: PRKCD (protein kinase C delta; plus strand). Cytogenetic location: 3p21.1.
Variant type: single nucleotide variant.
Coding change: c.571+127A>C on transcript NM_006254.4 (MANE Select); 127 bases into the intron after coding-DNA position 571, A replaced by C.
Molecular consequence: intron variant.
Genome position (GRCh38, 1-based): chr3:53,181,859, A>C. VCF-style: chr3-53181859-A-C. GRCh37 (hg19) VCF-style: chr3-53215875-A-C.
Other names: c.571+127A>C (NM_001354680.2, NM_001354679.2, NM_212539.2 and 1 more transcripts); c.628+127A>C (NM_001354676.2); c.619+127A>C (NM_001354678.2).
Identifiers: ClinVar variation 1269125 (VCV001269125.4), dbSNP rs11130350, ClinGen allele CA2451857.
Genomic context (GRCh38, chr3:53,181,859, plus strand): 5'-GTGTATGCCAGTGCCTGTGTGCGCTCAGAGAGTGTATGCACGTGAGTTTTCCCAGTGTAG[A>C]TACAGCAGCTGAGTTCAGTGAGTGCTGGGGCTGGCTTGCTGCTGCTCTGGAAAACCAGTT-3'